The following is an entry in ClinVar:

ClinVar aggregate classification (germline): Uncertain significance. Review status: criteria provided, multiple submitters, no conflicts (2 of 4 stars). 2 submissions from 2 submitters: Uncertain significance (2). Last evaluated 2024-01-30.

Conditions:
Ataxia-telangiectasia-like disorder (ATLD). Identifiers: MedGen C1858391, MONDO:0011457.
Hereditary cancer-predisposing syndrome. Also called: Tumor predisposition; Hereditary neoplastic syndrome; Hereditary Cancer Syndrome; Neoplastic Syndromes, Hereditary. Identifiers: Orphanet 140162, MedGen C0027672, MeSH D009386, MONDO:0015356.

Submissions (2):

Ambry Genetics
Classification: Uncertain significance for Hereditary cancer-predisposing syndrome. Last evaluated: 2024-01-30. Review status: criteria provided, single submitter. Criteria: Ambry Variant Classification Scheme 2023. Collection method: clinical testing. Allele origin: germline.
Comment: The p.S268G variant (also known as c.802A>G), located in coding exon 7 of the MRE11A gene, results from an A to G substitution at nucleotide position 802. The serine at codon 268 is replaced by glycine, an amino acid with similar properties. This amino acid position is conserved. In addition, this alteration is predicted to be deleterious by in silico analysis. Based on the available evidence, the clinical significance of this alteration remains unclear.

Labcorp Genetics (formerly Invitae), Labcorp
Classification: Uncertain significance for Ataxia-telangiectasia-like disorder. Last evaluated: 2021-08-27. Review status: criteria provided, single submitter. Criteria: Invitae Variant Classification Sherloc (09022015). Collection method: clinical testing. Allele origin: germline.
Comment: This sequence change replaces serine with glycine at codon 268 of the MRE11 protein (p.Ser268Gly). The serine residue is highly conserved and there is a small physicochemical difference between serine and glycine. This variant is not present in population databases (ExAC no frequency). This variant has not been reported in the literature in individuals affected with MRE11-related conditions. Algorithms developed to predict the effect of missense changes on protein structure and function (SIFT, PolyPhen-2, Align-GVGD) all suggest that this variant is likely to be disruptive. In summary, the available evidence is currently insufficient to determine the role of this variant in disease. Therefore, it has been classified as a Variant of Uncertain Significance.

NM_005591.4(MRE11):c.802A>G (p.Ser268Gly)

Gene: MRE11 (MRE11 double strand break repair nuclease; minus strand). Cytogenetic location: 11q21.
Variant type: single nucleotide variant.
Coding change: c.802A>G on transcript NM_005591.4 (MANE Select); coding-DNA position 802, A replaced by G.
Protein change: p.Ser268Gly; replaces serine 268 with glycine.
Molecular consequence: missense variant.
Genome position (GRCh38, 1-based): chr11:94,471,617, T>C on the plus strand (A>G on the coding strand, the complement: MRE11 is on the minus strand). VCF-style: chr11-94471617-T-C. GRCh37 (hg19) VCF-style: chr11-94204783-T-C.
Other names: c.802A>G, p.Ser268Gly (NM_001330347.2, NM_005590.4); c.802A>G (NM_005591.3); short protein forms S268G.
Identifiers: ClinVar variation 1052998 (VCV001052998.7), dbSNP rs2135046452, ClinGen allele CA382375574.